The following is an entry in ClinVar:

ClinVar aggregate classification (germline): Pathogenic/Likely pathogenic. Review status: criteria provided, multiple submitters, no conflicts (2 of 4 stars). 2 submissions from 2 submitters: Pathogenic (1); Likely pathogenic (1). Last evaluated 2024-07-29.

Conditions:
Hereditary breast ovarian cancer syndrome. Also called: Hereditary breast and/or ovarian cancer syndrome; BRCA1- and BRCA2-Associated Hereditary Breast and Ovarian Cancer; Breast and ovarian cancer; Hereditary breast and ovarian cancer; Hereditary breast and ovarian cancer syndrome; Hereditary breast and ovarian cancer syndrome (HBOC). Identifiers: Orphanet 145, MedGen C0677776, MeSH D061325, MONDO:0003582. Disease mechanism: loss of function.

Submissions (2):

Labcorp Genetics (formerly Invitae), Labcorp
Classification: Pathogenic for Hereditary breast ovarian cancer syndrome. Last evaluated: 2024-07-29. Review status: criteria provided, single submitter. Criteria: Invitae Variant Classification Sherloc (09022015). Collection method: clinical testing. Allele origin: germline.
Comment: This sequence change creates a premature translational stop signal (p.Leu2039*) in the BRCA2 gene. It is expected to result in an absent or disrupted protein product. Loss-of-function variants in BRCA2 are known to be pathogenic (PMID: 20104584). This variant is not present in population databases (gnomAD no frequency). This premature translational stop signal has been observed in individual(s) with breast cancer (PMID: 29409476). ClinVar contains an entry for this variant (Variation ID: 495478). For these reasons, this variant has been classified as Pathogenic.

Women's Health and Genetics/Laboratory Corporation of America, LabCorp
Classification: Likely pathogenic for Hereditary breast ovarian cancer syndrome. Last evaluated: 2016-09-20. Review status: criteria provided, single submitter. Criteria: LabCorp Variant Classification Summary - May 2015. Collection method: clinical testing. Allele origin: germline.
Comment: Variant summary: The BRCA2 c.6116T>G (p.Leu2039X) variant results in a premature termination codon, predicted to cause a truncated or absent BRCA2 protein due to nonsense mediated decay, which are commonly known mechanisms for disease. Truncations downstream of this position have been classified as pathogenic by our laboratory (e.g. c.6270_6271delTA, p.His2090fsX9; c.6275_6276delTT, p.Leu2092fsX7; c.6333_6337delGAGAA, p.Arg2112fsX15). One in silico tool predicts a damaging outcome for this variant. This variant is absent in 120840 control chromosomes and has not been reported in the literature. UMD cites the variant in 2 individuals with a classification of pathogenic. Taken together, this variant is classified as likely pathogenic.

Literature cited by the submitters: PubMed 20104584 (cited by Labcorp Genetics (formerly Invitae), Labcorp); PubMed 29409476 (cited by Labcorp Genetics (formerly Invitae), Labcorp).

NM_000059.4(BRCA2):c.6116T>G (p.Leu2039Ter)

Gene: BRCA2 (BRCA2 DNA repair associated; plus strand). Cytogenetic location: 13q13.1.
Variant type: single nucleotide variant.
Coding change: c.6116T>G on transcript NM_000059.4 (MANE Select); coding-DNA position 6116, T replaced by G.
Protein change: p.Leu2039Ter; replaces leucine 2039 with a stop codon.
Molecular consequence: nonsense.
Genome position (GRCh38, 1-based): chr13:32,340,471, T>G. VCF-style: chr13-32340471-T-G. GRCh37 (hg19) VCF-style: chr13-32914608-T-G.
Other names: short protein forms L2039*.
Identifiers: ClinVar variation 495478 (VCV000495478.4), dbSNP rs1555284559, ClinGen allele CA387788150.